The following is an entry in ClinVar:

NM_001042492.3(NF1):c.7970+166C>T

Gene: NF1 (neurofibromin 1; plus strand). Cytogenetic location: 17q11.2.
Variant type: single nucleotide variant.
Coding change: c.7970+166C>T on transcript NM_001042492.3 (MANE Select); 166 bases into the intron after coding-DNA position 7970, C replaced by T.
Molecular consequence: intron variant.
Genome position (GRCh38, 1-based): chr17:31,357,535, C>T. VCF-style: chr17-31357535-C-T. GRCh37 (hg19) VCF-style: chr17-29684553-C-T.
Other names: c.7907+166C>T (NM_000267.4).
Identifiers: ClinVar variation 561476 (VCV000561476.2), dbSNP rs7350943, ClinGen allele CA15915513.

ClinVar aggregate classification (germline): Benign. Review status: criteria provided, multiple submitters, no conflicts (2 of 4 stars). 2 submissions from 2 submitters: Benign (2). Last evaluated 2018-06-20.

Allele frequency attached by ClinVar (database versions not stated): 1000 Genomes Project 30x 0.39616; 1000 Genomes Project 0.40236; TOPMed 0.44772; gnomAD 0.46803 and 0.47152; gnomAD exomes 0.57496.
gnomAD v4.1: 357,009 of 648,580 alleles (55%); highest among the groups gnomAD compares: Middle Eastern, 63%; 103,990 homozygotes.

Submissions (2):

GeneDx
Classification: Benign. Last evaluated: 2018-06-20. Review status: criteria provided, single submitter. Criteria: GeneDx Variant Classification (06012015). Collection method: clinical testing. Allele origin: germline. Affected: yes.
Comment: This variant is considered likely benign or benign based on one or more of the following criteria: it is a conservative change, it occurs at a poorly conserved position in the protein, it is predicted to be benign by multiple in silico algorithms, and/or has population frequency not consistent with disease.

Breakthrough Genomics
Classification: Benign. Review status: criteria provided, single submitter. Criteria: ACMG Guidelines, 2015. Collection method: not provided. Allele origin: germline. Inheritance: Autosomal dominant inheritance. Affected: yes.